The following is an entry in ClinVar:

ClinVar aggregate classification (germline): Uncertain significance (1 of 4 stars; one submission).

Allele frequency attached by ClinVar (database versions not stated): gnomAD 0.00001; gnomAD exomes 0.00001; TOPMed 0.00001.
gnomAD v4.1: 9 of 1,614,024 alleles (0.00056%); highest among the groups gnomAD compares: Non-Finnish European, 0.00076%; no homozygotes.

Submission:

Labcorp Genetics (formerly Invitae), Labcorp
Classification: Uncertain significance. Last evaluated: 2021-12-24. Review status: criteria provided, single submitter. Criteria: Invitae Variant Classification Sherloc (09022015). Collection method: clinical testing. Allele origin: germline.
Comment: This sequence change replaces lysine, which is basic and polar, with asparagine, which is neutral and polar, at codon 272 of the ASAH1 protein (p.Lys272Asn). This variant is present in population databases (no rsID available, gnomAD 0.0009%). This variant has not been reported in the literature in individuals affected with ASAH1-related conditions. Algorithms developed to predict the effect of missense changes on protein structure and function output the following: SIFT: "Tolerated"; PolyPhen-2: "Benign"; Align-GVGD: "Class C0". The asparagine amino acid residue is found in multiple mammalian species, which suggests that this missense change does not adversely affect protein function. In summary, the available evidence is currently insufficient to determine the role of this variant in disease. Therefore, it has been classified as a Variant of Uncertain Significance.

NM_177924.5(ASAH1):c.816G>T (p.Lys272Asn)

Gene: ASAH1 (N-acylsphingosine amidohydrolase 1; minus strand). Cytogenetic location: 8p22.
Variant type: single nucleotide variant.
Coding change: c.816G>T on transcript NM_177924.5 (MANE Select); coding-DNA position 816, G replaced by T.
Protein change: p.Lys272Asn; replaces lysine 272 with asparagine.
Molecular consequence: missense variant.
Genome position (GRCh38, 1-based): chr8:18,059,673, C>A on the plus strand (G>T on the coding strand, the complement: ASAH1 is on the minus strand). VCF-style: chr8-18059673-C-A. GRCh37 (hg19) VCF-style: chr8-17917182-C-A.
Other names: c.798G>T, p.Lys266Asn (NM_001127505.3); c.621G>T, p.Lys207Asn (NM_001363743.2); c.864G>T, p.Lys288Asn (NM_004315.6); short protein forms K207N, K266N, K272N, K288N.
Identifiers: ClinVar variation 2146471 (VCV002146471.1), dbSNP rs1041642937, ClinGen allele CA370428289.